The following is an entry in ClinVar:

ClinVar aggregate classification (germline): Uncertain significance (1 of 4 stars; one submission).

Conditions:
Mucopolysaccharidosis type 1. Also called: Mucopolysaccharidosis Type I; IDUA deficiency; MPS I. Identifiers: Orphanet 579, MedGen C0023786, MONDO:0001586.

Submission:

Labcorp Genetics (formerly Invitae), Labcorp
Classification: Uncertain significance for Mucopolysaccharidosis type 1. Last evaluated: 2023-11-27. Review status: criteria provided, single submitter. Criteria: Invitae Variant Classification Sherloc (09022015). Collection method: clinical testing. Allele origin: germline.
Comment: This sequence change replaces valine, which is neutral and non-polar, with alanine, which is neutral and non-polar, at codon 643 of the IDUA protein (p.Val643Ala). This variant is not present in population databases (gnomAD no frequency). This variant has not been reported in the literature in individuals affected with IDUA-related conditions. Advanced modeling of protein sequence and biophysical properties (such as structural, functional, and spatial information, amino acid conservation, physicochemical variation, residue mobility, and thermodynamic stability) performed at Invitae indicates that this missense variant is not expected to disrupt IDUA protein function with a negative predictive value of 95%. In summary, the available evidence is currently insufficient to determine the role of this variant in disease. Therefore, it has been classified as a Variant of Uncertain Significance.

NM_000203.5(IDUA):c.1928T>C (p.Val643Ala)

Gene: IDUA (alpha-L-iduronidase; plus strand). Cytogenetic location: 4p16.3.
Variant type: single nucleotide variant.
Coding change: c.1928T>C on transcript NM_000203.5 (MANE Select); coding-DNA position 1928, T replaced by C.
Protein change: p.Val643Ala; replaces valine 643 with alanine.
Molecular consequence: missense variant. On other transcripts: non-coding transcript variant (1).
Genome position (GRCh38, 1-based): chr4:1,004,359, T>C. VCF-style: chr4-1004359-T-C. GRCh37 (hg19) VCF-style: chr4-998147-T-C.
Other names: c.1532T>C, p.Val511Ala (NM_001363576.1); short protein forms V511A, V643A.
Identifiers: ClinVar variation 2697496 (VCV002697496.3), dbSNP rs2534104674, ClinGen allele CA355966070.